The following is an entry in ClinVar:

NM_001195129.2(PRSS56):c.292G>A (p.Val98Met)

Gene: PRSS56 (serine protease 56; plus strand). Cytogenetic location: 2q37.1.
Variant type: single nucleotide variant.
Coding change: c.292G>A on transcript NM_001195129.2 (MANE Select); coding-DNA position 292, G replaced by A.
Protein change: p.Val98Met; replaces valine 98 with methionine.
Molecular consequence: missense variant.
Genome position (GRCh38, 1-based): chr2:232,522,006, G>A. VCF-style: chr2-232522006-G-A. GRCh37 (hg19) VCF-style: chr2-233386716-G-A.
Other names: c.292G>A, p.Val98Met (NM_001369848.1); short protein forms V98M.
Identifiers: ClinVar variation 1304588 (VCV001304588.9), dbSNP rs1025103437, ClinGen allele CA66948083.
Genomic context (GRCh38, chr2:232,522,006, plus strand): 5'-CGTGACACCCCTTGCCCCTTTCTAGGGCCGTGCGGCGAGAGGCGTCCGAGCACTGCCAAT[G>A]TGACGCGGGCCCACGGCCGCATCGTGGGGGGCAGCGCGGCGCCGCCCGGGGCCTGGCCCT-3'
Protein context (NP_001182058.1, residues 88-108): CGERRPSTAN[Val98Met]TRAHGRIVGG

ClinVar aggregate classification (germline): Conflicting classifications of pathogenicity. Review status: criteria provided, conflicting classifications (1 of 4 stars). 2 submissions from 2 submitters: Uncertain significance (1); Likely benign (1). Last evaluated 2025-07-19.

Conditions:
Isolated microphthalmia 6. Also called: MICROPHTHALMIA, POSTERIOR NONSYNDROMIC. Identifiers: Orphanet 2542, MedGen C3150757, MONDO:0013293, OMIM 613517.

Allele frequency attached by ClinVar (database versions not stated): gnomAD 0.00006; gnomAD exomes 0.00016 and 0.00060; TOPMed 0.00024.

Submissions (2):

Labcorp Genetics (formerly Invitae), Labcorp
Classification: Likely benign for Isolated microphthalmia 6. Last evaluated: 2025-07-19. Review status: criteria provided, single submitter. Criteria: Invitae Variant Classification Sherloc (09022015). Collection method: clinical testing. Allele origin: germline.

GeneDx
Classification: Uncertain significance. Last evaluated: 2019-05-14. Review status: criteria provided, single submitter. Criteria: GeneDx Variant Classification Process June 2021. Collection method: clinical testing. Allele origin: germline. Affected: yes.
Comment: In silico analysis, which includes protein predictors and evolutionary conservation, supports that this variant does not alter protein structure/function; Has not been previously published as pathogenic or benign to our knowledge